The following is an entry in ClinVar:

NM_001130965.3(SUN1):c.664T>A (p.Phe222Ile)

Gene: SUN1 (Sad1 and UNC84 domain containing 1; plus strand). Cytogenetic location: 7p22.3.
Variant type: single nucleotide variant.
Coding change: c.664T>A on transcript NM_001130965.3 (MANE Select); coding-DNA position 664, T replaced by A.
Protein change: p.Phe222Ile; replaces phenylalanine 222 with isoleucine.
Molecular consequence: missense variant. On other transcripts: synonymous variant (1), non-coding transcript variant (3), intron variant (12).
Genome position (GRCh38, 1-based): chr7:851,389, T>A. VCF-style: chr7-851389-T-A. GRCh37 (hg19) VCF-style: chr7-891026-T-A.
Other names: c.514T>A, p.Phe172Ile (NM_001367670.1, NM_001367671.1, NM_001367660.1 and 1 more transcripts); c.664T>A, p.Phe222Ile (NM_001367672.1, NM_001367694.1, NM_001367633.1 and 3 more transcripts); c.796T>A, p.Phe266Ile (NM_001367673.1, NM_001367646.1, NM_001367706.1); c.862T>A, p.Phe288Ile (NM_001367674.1); c.973T>A, p.Phe325Ile (NM_001367677.1, NM_001367692.1); c.1057T>A, p.Phe353Ile (NM_001367678.1, NM_001367699.1, NM_001367703.1 and 2 more transcripts); c.625T>A, p.Phe209Ile (NM_001367679.1, NM_001367689.1, NM_001367645.1 and 1 more transcripts); c.598T>A, p.Phe200Ile (NM_001367680.1, NM_001367701.1, NM_001367644.1); and 24 more; short protein forms F209I, F231I, F250I, F287I, F70I, F196I, F266I, F316I.
Identifiers: ClinVar variation 3706303 (VCV003706303.2).

ClinVar aggregate classification (germline): Uncertain significance (1 of 4 stars; one submission).

Conditions:
Emery-Dreifuss muscular dystrophy (EDMD). Also called: Scapuloperoneal syndrome, X-linked (formerly); Humeroperoneal neuromuscular disease, (formerly). Identifiers: Orphanet 261, MedGen C0410189, MONDO:0016830.

gnomAD v4.1: 3 of 1,601,008 alleles (0.00019%); highest among the groups gnomAD compares: Non-Finnish European, 0.00026%; no homozygotes.

Submission:

Labcorp Genetics (formerly Invitae), Labcorp
Classification: Uncertain significance for Emery-Dreifuss muscular dystrophy. Last evaluated: 2025-06-17. Review status: criteria provided, single submitter. Criteria: Invitae Variant Classification Sherloc (09022015). Collection method: clinical testing. Allele origin: germline.
Comment: This sequence change replaces phenylalanine, which is neutral and non-polar, with isoleucine, which is neutral and non-polar, at codon 222 of the SUN1 protein (p.Phe222Ile). The frequency data for this variant in the population databases is considered unreliable, as metrics indicate poor data quality at this position in the gnomAD database. This variant has not been reported in the literature in individuals affected with SUN1-related conditions. ClinVar contains an entry for this variant (Variation ID: 3706303). An algorithm developed to predict the effect of missense changes on protein structure and function (PolyPhen-2) suggests that this variant is likely to be disruptive. In summary, the available evidence is currently insufficient to determine the role of this variant in disease. Therefore, it has been classified as a Variant of Uncertain Significance.